The following is an entry in ClinVar:

ClinVar aggregate classification (germline): Likely benign. Review status: criteria provided, multiple submitters, no conflicts (2 of 4 stars). 3 submissions from 3 submitters: Likely benign (3). Last evaluated 2022-10-01.

Allele frequency attached by ClinVar (database versions not stated): ESP Exome Variant Server 0.00008; gnomAD 0.00016 and 0.00019; gnomAD exomes 0.00017 and 0.00020; TOPMed 0.00019; ExAC 0.00021.
gnomAD v4.1: 279 of 1,614,072 alleles (0.017%); highest among the groups gnomAD compares: Middle Eastern, 0.15%; 2 homozygotes.

Submissions (3):

CeGaT Center for Human Genetics Tuebingen
Classification: Likely benign. Last evaluated: 2022-10-01. Review status: criteria provided, single submitter. Criteria: CeGaT Center For Human Genetics Tuebingen Variant Classification Criteria Version 2. Collection method: clinical testing. Allele origin: germline. Affected: yes. Observed: 1 variant allele.
Comment: ZBTB16: BP4, BP7

Labcorp Genetics (formerly Invitae), Labcorp
Classification: Likely benign. Last evaluated: 2019-12-31. Review status: criteria provided, single submitter. Criteria: Invitae Variant Classification Sherloc (09022015). Collection method: clinical testing. Allele origin: germline.

Breakthrough Genomics
Classification: Likely benign. Review status: criteria provided, single submitter. Criteria: ACMG Guidelines, 2015. Collection method: not provided. Allele origin: germline. Inheritance: Unknown mechanism. Affected: yes.

NM_006006.6(ZBTB16):c.1542C>T (p.Gly514=)

Gene: ZBTB16 (zinc finger and BTB domain containing 16; plus strand). Cytogenetic location: 11q23.2.
Variant type: single nucleotide variant.
Coding change: c.1542C>T on transcript NM_006006.6 (MANE Select); coding-DNA position 1542, C replaced by T.
Protein change: p.Gly514=; no amino-acid change (glycine 514 retained).
Molecular consequence: synonymous variant.
Genome position (GRCh38, 1-based): chr11:114,242,255, C>T. VCF-style: chr11-114242255-C-T. GRCh37 (hg19) VCF-style: chr11-114112977-C-T.
Other names: c.1542C>T, p.Gly514= (NM_001018011.3, NM_001354750.2, NM_001354751.2); c.1455C>T, p.Gly485= (NM_001354752.1).
Identifiers: ClinVar variation 773254 (VCV000773254.29), dbSNP rs147709798, ClinGen allele CA6285285.